The following is an entry in ClinVar:

NM_001379200.1(TBX1):c.170_229del (p.Pro57_Pro76del)

Gene: TBX1 (T-box transcription factor 1; plus strand). Cytogenetic location: 22q11.21.
Variant type: Deletion.
Coding change: c.170_229del on transcript NM_001379200.1 (MANE Select); coding-DNA positions 170 to 229, 60 bases deleted.
Protein change: p.Pro57_Pro76del.
Molecular consequence: inframe deletion.
Genome position (GRCh38, 1-based): chr22:19,761,013-19,761,072, 60 bases deleted. GRCh37 (hg19): chr22:19,748,536-19,748,595.
Other names: c.143_202del, p.Pro48_Pro67del (NM_005992.1, NM_080646.2, NM_080647.1).
Identifiers: ClinVar variation 2086566 (VCV002086566.5), dbSNP rs2145827836, ClinGen allele CA2580099096.

ClinVar aggregate classification (germline): Conflicting classifications of pathogenicity. Review status: criteria provided, conflicting classifications (1 of 4 stars). 2 submissions from 2 submitters: Uncertain significance (1); Likely benign (1). Last evaluated 2024-09-20.

Conditions:
Conotruncal heart malformations (CTHM). Also called: Conotruncal heart malformations, variable. Identifiers: Orphanet 2445, Orphanet 3384, Orphanet 3426, MedGen C1857586, MONDO:0016581, OMIM 217095.
Tetralogy of Fallot (TOF). Identifiers: Orphanet 3303, MedGen C0039685, MONDO:0008542, OMIM 187500, HP:0001636.
Velocardiofacial syndrome (VCFS). Also called: VCF SYNDROME; Shprintzen syndrome; SHPRINTZEN VCF SYNDROME. Identifiers: Orphanet 567, MedGen C0220704, MONDO:0008644, OMIM 192430. Disease mechanism: loss of function.
DiGeorge syndrome. Also called: THIRD AND FOURTH PHARYNGEAL POUCH SYNDROME; Catch22. Identifiers: Orphanet 567, MedGen C0012236, MONDO:0008564, OMIM 188400.

Submissions (2):

3billion
Classification: Likely benign for Velocardiofacial syndrome; DiGeorge syndrome; Conotruncal heart malformations; Tetralogy of Fallot. Last evaluated: 2024-09-20. Review status: criteria provided, single submitter. Criteria: ACMG Guidelines, 2015. Collection method: clinical testing. Allele origin: germline. Affected: no.
Comment: The variant was identified in at least one patient who was diagnosed with a different variant in another gene and showed no symptoms related to the gene containing the variant in question.

Labcorp Genetics (formerly Invitae), Labcorp
Classification: Uncertain significance for DiGeorge syndrome. Last evaluated: 2024-09-09. Review status: criteria provided, single submitter. Criteria: Invitae Variant Classification Sherloc (09022015). Collection method: clinical testing. Allele origin: germline.
Comment: This variant, c.143_202del, results in the deletion of 20 amino acid(s) of the TBX1 protein (p.Pro48_Pro67del), but otherwise preserves the integrity of the reading frame. The frequency data for this variant in the population databases is considered unreliable, as metrics indicate insufficient coverage at this position in the gnomAD database. This variant has not been reported in the literature in individuals affected with TBX1-related conditions. ClinVar contains an entry for this variant (Variation ID: 2086566). Experimental studies and prediction algorithms are not available or were not evaluated, and the functional significance of this variant is currently unknown. In summary, the available evidence is currently insufficient to determine the role of this variant in disease. Therefore, it has been classified as a Variant of Uncertain Significance.